The following is an entry in ClinVar:

ClinVar aggregate classification (germline): Uncertain significance (1 of 4 stars; one submission).

Submission:

Ambry Genetics
Classification: Uncertain significance. Last evaluated: 2021-11-23. Review status: criteria provided, single submitter. Criteria: Ambry Variant Classification Scheme 2023. Collection method: clinical testing. Allele origin: germline.
Comment: The p.S278R variant (also known as c.834C>G), located in coding exon 6 of the BUB3 gene, results from a C to G substitution at nucleotide position 834. The serine at codon 278 is replaced by arginine, an amino acid with dissimilar properties. This amino acid position is conserved. In addition, this alteration is predicted to be deleterious by in silico analysis. Since supporting evidence is limited at this time, the clinical significance of this alteration remains unclear.

NM_004725.4(BUB3):c.834C>G (p.Ser278Arg)

Gene: BUB3 (BUB3 mitotic checkpoint protein; plus strand). Cytogenetic location: 10q26.13.
Variant type: single nucleotide variant.
Coding change: c.834C>G on transcript NM_004725.4 (MANE Select); coding-DNA position 834, C replaced by G.
Protein change: p.Ser278Arg; replaces serine 278 with arginine.
Molecular consequence: missense variant.
Genome position (GRCh38, 1-based): chr10:123,162,691, C>G. VCF-style: chr10-123162691-C-G. GRCh37 (hg19) VCF-style: chr10-124922207-C-G.
Other names: c.834C>G, p.Ser278Arg (NM_001007793.3); short protein forms S278R.
Identifiers: ClinVar variation 1763025 (VCV001763025.2), dbSNP rs2493766893, ClinGen allele CA378627020.